The following is an entry in ClinVar:

ClinVar aggregate classification (germline): Conflicting classifications of pathogenicity. Review status: criteria provided, conflicting classifications (1 of 4 stars). 2 submissions from 2 submitters: Uncertain significance (1); Likely benign (1). Last evaluated 2025-04-29.

Conditions:
Baller-Gerold syndrome (BGS). Also called: CRANIOSYNOSTOSIS WITH RADIAL DEFECTS. Identifiers: Orphanet 1225, MedGen C0265308, MONDO:0009039, OMIM 218600.
Inborn genetic diseases. Identifiers: MedGen C0950123, MeSH D030342.

Allele frequency attached by ClinVar (database versions not stated): gnomAD exomes below 0.00001.
gnomAD v4.1: 1 of 1,568,864 alleles (0.000064%); highest among the groups gnomAD compares: Non-Finnish European, 0.000086%; no homozygotes.

Submissions (2):

Ambry Genetics
Classification: Likely benign for Inborn genetic diseases. Last evaluated: 2025-04-29. Review status: criteria provided, single submitter. Criteria: Ambry Variant Classification Scheme 2023. Collection method: clinical testing. Allele origin: germline.

Labcorp Genetics (formerly Invitae), Labcorp
Classification: Uncertain significance for Baller-Gerold syndrome. Last evaluated: 2024-07-19. Review status: criteria provided, single submitter. Criteria: Invitae Variant Classification Sherloc (09022015). Collection method: clinical testing. Allele origin: germline.
Comment: This sequence change replaces proline, which is neutral and non-polar, with leucine, which is neutral and non-polar, at codon 662 of the RECQL4 protein (p.Pro662Leu). This variant is not present in population databases (gnomAD no frequency). This variant has not been reported in the literature in individuals affected with RECQL4-related conditions. ClinVar contains an entry for this variant (Variation ID: 947660). Advanced modeling of protein sequence and biophysical properties (such as structural, functional, and spatial information, amino acid conservation, physicochemical variation, residue mobility, and thermodynamic stability) performed at Invitae indicates that this missense variant is not expected to disrupt RECQL4 protein function with a negative predictive value of 80%. In summary, the available evidence is currently insufficient to determine the role of this variant in disease. Therefore, it has been classified as a Variant of Uncertain Significance.

NM_004260.4(RECQL4):c.1985C>T (p.Pro662Leu)

Gene: RECQL4 (RecQ like helicase 4; minus strand). Cytogenetic location: 8q24.3.
Variant type: single nucleotide variant.
Coding change: c.1985C>T on transcript NM_004260.4 (MANE Select); coding-DNA position 1985, C replaced by T.
Protein change: p.Pro662Leu; replaces proline 662 with leucine.
Molecular consequence: missense variant.
Genome position (GRCh38, 1-based): chr8:144,514,001, G>A on the plus strand (C>T on the coding strand, the complement: RECQL4 is on the minus strand). VCF-style: chr8-144514001-G-A. GRCh37 (hg19) VCF-style: chr8-145739385-G-A.
Other names: short protein forms P662L.
Identifiers: ClinVar variation 947660 (VCV000947660.7), dbSNP rs1586808386, ClinGen allele CA372680363.